The following is an entry in ClinVar:

NM_000587.4(C7):c.2155T>C (p.Tyr719His)

Gene: C7 (complement C7; plus strand). Cytogenetic location: 5p13.1.
Variant type: single nucleotide variant.
Coding change: c.2155T>C on transcript NM_000587.4 (MANE Select); coding-DNA position 2155, T replaced by C.
Protein change: p.Tyr719His; replaces tyrosine 719 with histidine.
Molecular consequence: missense variant.
Genome position (GRCh38, 1-based): chr5:40,976,830, T>C. VCF-style: chr5-40976830-T-C. GRCh37 (hg19) VCF-style: chr5-40976932-T-C.
Other names: short protein forms Y719H.
Identifiers: ClinVar variation 1966535 (VCV001966535.6), dbSNP rs971575638, ClinGen allele CA117239713.

ClinVar aggregate classification (germline): Uncertain significance. Review status: criteria provided, multiple submitters, no conflicts (2 of 4 stars). 2 submissions from 2 submitters: Uncertain significance (2). Last evaluated 2025-12-16.

Conditions:
Inborn genetic diseases. Identifiers: MedGen C0950123, MeSH D030342.

Allele frequency attached by ClinVar (database versions not stated): gnomAD exomes below 0.00001; gnomAD 0.00002; TOPMed 0.00003.

Submissions (2):

Ambry Genetics
Classification: Uncertain significance for Inborn genetic diseases. Last evaluated: 2025-12-16. Review status: criteria provided, single submitter. Criteria: Ambry Variant Classification Scheme 2023. Collection method: clinical testing. Allele origin: germline.

Labcorp Genetics (formerly Invitae), Labcorp
Classification: Uncertain significance. Last evaluated: 2022-03-20. Review status: criteria provided, single submitter. Criteria: Invitae Variant Classification Sherloc (09022015). Collection method: clinical testing. Allele origin: germline.
Comment: This sequence change replaces tyrosine, which is neutral and polar, with histidine, which is basic and polar, at codon 719 of the C7 protein (p.Tyr719His). This variant is present in population databases (no rsID available, gnomAD 0.003%). This variant has not been reported in the literature in individuals affected with C7-related conditions. Algorithms developed to predict the effect of missense changes on protein structure and function are either unavailable or do not agree on the potential impact of this missense change (SIFT: "Tolerated"; PolyPhen-2: "Possibly Damaging"; Align-GVGD: "Class C0"). In summary, the available evidence is currently insufficient to determine the role of this variant in disease. Therefore, it has been classified as a Variant of Uncertain Significance.